The following is an entry in ClinVar:

ClinVar aggregate classification (germline): Uncertain significance (1 of 4 stars; one submission).

Conditions:
Familial Mediterranean fever (FMF). Also called: POLYSEROSITIS, FAMILIAL PAROXYSMAL; POLYSEROSITIS, RECURRENT; Periodic peritonitis; Benign paroxysmal peritonitis. Identifiers: Orphanet 342, MedGen C0031069, MONDO:0018088, OMIM 249100. Disease mechanism: gain of function.

Allele frequency attached by ClinVar (database versions not stated): gnomAD exomes below 0.00001.
gnomAD v4.1: 1 of 1,614,188 alleles (0.000062%); highest among the groups gnomAD compares: Non-Finnish European, 0.000085%; no homozygotes.

Submission:

Labcorp Genetics (formerly Invitae), Labcorp
Classification: Uncertain significance for Familial Mediterranean fever. Last evaluated: 2024-10-07. Review status: criteria provided, single submitter. Criteria: Invitae Variant Classification Sherloc (09022015). Collection method: clinical testing. Allele origin: germline.
Comment: This sequence change replaces lysine, which is basic and polar, with asparagine, which is neutral and polar, at codon 556 of the MEFV protein (p.Lys556Asn). This variant is not present in population databases (gnomAD no frequency). This variant has not been reported in the literature in individuals affected with MEFV-related conditions. ClinVar contains an entry for this variant (Variation ID: 1480291). An algorithm developed to predict the effect of missense changes on protein structure and function (PolyPhen-2) suggests that this variant is likely to be disruptive. In summary, the available evidence is currently insufficient to determine the role of this variant in disease. Therefore, it has been classified as a Variant of Uncertain Significance.

NM_000243.3(MEFV):c.1668G>C (p.Lys556Asn)

Gene: MEFV (MEFV innate immunity regulator, pyrin; minus strand). Cytogenetic location: 16p13.3.
Variant type: single nucleotide variant.
Coding change: c.1668G>C on transcript NM_000243.3 (MANE Select); coding-DNA position 1668, G replaced by C.
Protein change: p.Lys556Asn; replaces lysine 556 with asparagine.
Molecular consequence: missense variant.
Genome position (GRCh38, 1-based): chr16:3,244,531, C>G on the plus strand (G>C on the coding strand, the complement: MEFV is on the minus strand). VCF-style: chr16-3244531-C-G. GRCh37 (hg19) VCF-style: chr16-3294531-C-G.
Other names: c.1035G>C, p.Lys345Asn (NM_001198536.2); short protein forms K345N, K556N.
Identifiers: ClinVar variation 1480291 (VCV001480291.8), dbSNP rs1567232255, ClinGen allele CA394458466.